The following is an entry in ClinVar:

ClinVar aggregate classification (germline): Uncertain significance (1 of 4 stars; one submission).

Conditions:
Wilson disease (WND). Also called: Wilson's disease. Identifiers: Orphanet 905, MedGen C0019202, MONDO:0010200, OMIM 277900. Disease mechanism: loss of function.

Submission:

Color Diagnostics, LLC DBA Color Health
Classification: Uncertain significance for Wilson disease. Last evaluated: 2025-07-14. Review status: criteria provided, single submitter. Criteria: ACMG Guidelines, 2015. Collection method: clinical testing. Allele origin: germline.
Comment: This missense variant replaces proline with glutamine at codon 1418 of the ATP7B protein. Computational prediction suggests that this variant may not impact protein structure and function. To our knowledge, functional studies have not been reported for this variant. This variant has not been reported in individuals affected with ATP7B-related disorders in the literature. This variant has not been identified in the general population by the Genome Aggregation Database (gnomAD). The available evidence is insufficient to determine the role of this variant in disease conclusively. Therefore, this variant is classified as a Variant of Uncertain Significance.

NM_000053.4(ATP7B):c.4253C>A (p.Pro1418Gln)

Gene: ATP7B (ATPase copper transporting beta; minus strand). Cytogenetic location: 13q14.3.
Variant type: single nucleotide variant.
Coding change: c.4253C>A on transcript NM_000053.4 (MANE Select); coding-DNA position 4253, C replaced by A.
Protein change: p.Pro1418Gln; replaces proline 1418 with glutamine.
Molecular consequence: missense variant.
Genome position (GRCh38, 1-based): chr13:51,934,901, G>T on the plus strand (C>A on the coding strand, the complement: ATP7B is on the minus strand). VCF-style: chr13-51934901-G-T. GRCh37 (hg19) VCF-style: chr13-52509037-G-T.
Other names: c.3632C>A, p.Pro1211Gln (NM_001005918.3); c.3920C>A, p.Pro1307Gln (NM_001243182.2); c.4019C>A, p.Pro1340Gln (NM_001330578.2, NM_001406527.1, NM_001406528.1); c.4001C>A, p.Pro1334Gln (NM_001330579.2, NM_001406531.1, NM_001406532.1); c.4253C>A, p.Pro1418Gln (NM_001406511.1, NM_001406512.1); c.4247C>A, p.Pro1416Gln (NM_001406513.1); c.4220C>A, p.Pro1407Gln (NM_001406514.1); c.4199C>A, p.Pro1400Gln (NM_001406515.1, NM_001406516.1); and 21 more; short protein forms P1137Q, P1191Q, P1202Q, P1211Q, P1224Q, P1254Q, P1256Q, P1269Q.
Identifiers: ClinVar variation 4757600 (VCV004757600.1).